The following is an entry in ClinVar:

NM_144991.3(TSPEAR):c.82+44599G>A

Genes: KRTAP12-2 (keratin associated protein 12-2; minus strand), TSPEAR (thrombospondin type laminin G domain and EAR repeats; minus strand). Cytogenetic location: 21q22.3.
Variant type: single nucleotide variant.
Coding change: c.82+44599G>A on transcript NM_144991.3 (MANE Select); 44599 bases into the intron after coding-DNA position 82, G replaced by A.
Molecular consequence: intron variant. On other transcripts: missense variant (1).
Genome position (GRCh38, 1-based): chr21:44,666,834, C>T on the plus strand (G>A on the coding strand, the complement: TSPEAR is on the minus strand). VCF-style: chr21-44666834-C-T. GRCh37 (hg19) VCF-style: chr21-46086751-C-T.
Other names: c.53G>A, p.Ser18Asn (NM_181684.3); c.-123+23711G>A (NM_001272037.2); short protein forms S18N.
Identifiers: ClinVar variation 2652781 (VCV002652781.24), dbSNP rs143686476, ClinGen allele CA10061335.

ClinVar aggregate classification (germline): Likely benign (1 of 4 stars; one submission).

Allele frequency attached by ClinVar (database versions not stated): TOPMed 0.00073; 1000 Genomes Project 30x 0.00078; gnomAD 0.00085; ESP Exome Variant Server 0.00094; 1000 Genomes Project 0.00100; gnomAD exomes 0.00117; ExAC 0.00153.
gnomAD v4.1: 1,871 of 1,609,460 alleles (0.12%); highest among the groups gnomAD compares: Middle Eastern, 0.97%; 11 homozygotes.

Submission:

CeGaT Center for Human Genetics Tuebingen
Classification: Likely benign. Last evaluated: 2022-12-01. Review status: criteria provided, single submitter. Criteria: CeGaT Center For Human Genetics Tuebingen Variant Classification Criteria Version 2. Collection method: clinical testing. Allele origin: germline. Affected: yes. Observed: 1 variant allele.
Comment: TSPEAR: BS2